The following is an entry in ClinVar:

NM_000321.3(RB1):c.2366C>T (p.Pro789Leu)

Gene: RB1 (RB transcriptional corepressor 1; plus strand). Cytogenetic location: 13q14.2.
Variant type: single nucleotide variant.
Coding change: c.2366C>T on transcript NM_000321.3 (MANE Select); coding-DNA position 2366, C replaced by T.
Protein change: p.Pro789Leu; replaces proline 789 with leucine.
Molecular consequence: missense variant.
Genome position (GRCh38, 1-based): chr13:48,465,245, C>T. VCF-style: chr13-48465245-C-T. GRCh37 (hg19) VCF-style: chr13-49039381-C-T.
Other names: short protein forms P789L.
Identifiers: ClinVar variation 821159 (VCV000821159.10), dbSNP rs1467492987, ClinGen allele CA388167831.

ClinVar aggregate classification (germline): Uncertain significance. Review status: criteria provided, multiple submitters, no conflicts (2 of 4 stars). 2 submissions from 2 submitters: Uncertain significance (2). Last evaluated 2022-09-19.

Conditions:
Hereditary cancer-predisposing syndrome. Also called: Neoplastic Syndromes, Hereditary; Tumor predisposition; Hereditary Cancer Syndrome; Hereditary neoplastic syndrome. Identifiers: Orphanet 140162, MedGen C0027672, MeSH D009386, MONDO:0015356.
Retinoblastoma (RB1). Also called: RETINOBLASTOMA, SOMATIC. Identifiers: Orphanet 790, MedGen C0035335, MeSH D012175, MONDO:0008380, OMIM 180200, HP:0009919. Disease mechanism: loss of function. Inheritance: Both sporadic and heritable forms are tested..

Submissions (2):

Labcorp Genetics (formerly Invitae), Labcorp
Classification: Uncertain significance for Retinoblastoma. Last evaluated: 2022-09-19. Review status: criteria provided, single submitter. Criteria: Invitae Variant Classification Sherloc (09022015). Collection method: clinical testing. Allele origin: germline.
Comment: In summary, the available evidence is currently insufficient to determine the role of this variant in disease. Therefore, it has been classified as a Variant of Uncertain Significance. Algorithms developed to predict the effect of missense changes on protein structure and function (SIFT, PolyPhen-2, Align-GVGD) all suggest that this variant is likely to be disruptive. ClinVar contains an entry for this variant (Variation ID: 821159). This variant has not been reported in the literature in individuals affected with RB1-related conditions. This variant is not present in population databases (gnomAD no frequency). This sequence change replaces proline, which is neutral and non-polar, with leucine, which is neutral and non-polar, at codon 789 of the RB1 protein (p.Pro789Leu).

Ambry Genetics
Classification: Uncertain significance for Hereditary cancer-predisposing syndrome. Last evaluated: 2018-06-20. Review status: criteria provided, single submitter. Criteria: Ambry Variant Classification Scheme 2023. Collection method: clinical testing. Allele origin: germline.
Comment: The p.P789L variant (also known as c.2366C>T), located in coding exon 23 of the RB1 gene, results from a C to T substitution at nucleotide position 2366. The proline at codon 789 is replaced by leucine, an amino acid with similar properties. This amino acid position is highly conserved in available vertebrate species. In addition, the in silico prediction for this alteration is inconclusive. Since supporting evidence is limited at this time, the clinical significance of this alteration remains unclear.